The following is an entry in ClinVar:

NM_000077.5(CDKN2A):c.75A>G (p.Val25=)

Gene: CDKN2A (cyclin dependent kinase inhibitor 2A; minus strand). Cytogenetic location: 9p21.3.
Variant type: single nucleotide variant.
Coding change: c.75A>G on transcript NM_000077.5; coding-DNA position 75, A replaced by G.
Protein change: p.Val25=; no amino-acid change (valine 25 retained).
Molecular consequence: synonymous variant (on NM_000077.6). On other transcripts: intron variant (2).
Genome position (GRCh38, 1-based): chr9:21,974,753, T>C on the plus strand (A>G on the coding strand, the complement: CDKN2A is on the minus strand). VCF-style: chr9-21974753-T-C. GRCh37 (hg19) VCF-style: chr9-21974752-T-C.
Other names: c.75A>G, p.Val25= (NM_000077.6, NM_001195132.2, NM_058197.5); c.-3-3545A>G (NM_001363763.2); c.194-3545A>G (NM_058195.4).
Identifiers: ClinVar variation 827146 (VCV000827146.17), dbSNP rs980682752, ClinGen allele CA464100164.

ClinVar aggregate classification (germline): Benign/Likely benign. Review status: criteria provided, multiple submitters, no conflicts (2 of 4 stars). 5 submissions from 5 submitters: Benign (1); Likely benign (4). Last evaluated 2025-10-20.

Conditions:
Familial melanoma. Also called: Hereditary melanoma; Hereditary cutaneous melanoma. Identifiers: Orphanet 618, MedGen C1512419, MONDO:0018961.
Hereditary cancer-predisposing syndrome. Also called: Neoplastic Syndromes, Hereditary; Tumor predisposition; Hereditary Cancer Syndrome; Hereditary neoplastic syndrome. Identifiers: Orphanet 140162, MedGen C0027672, MeSH D009386, MONDO:0015356.
Melanoma-pancreatic cancer syndrome. Identifiers: Orphanet 404560, MedGen C1838547, MONDO:0011713, OMIM 606719. Disease mechanism: loss of function.

Allele frequency attached by ClinVar (database versions not stated): TOPMed 0.00001.
gnomAD v4.1: 11 of 1,610,628 alleles (0.00068%); highest among the groups gnomAD compares: Non-Finnish European, 0.00093%; no homozygotes.

Submissions (5):

Labcorp Genetics (formerly Invitae), Labcorp
Classification: Likely benign for Familial melanoma. Last evaluated: 2025-10-20. Review status: criteria provided, single submitter. Criteria: Invitae Variant Classification Sherloc (09022015). Collection method: clinical testing. Allele origin: germline.

Myriad Genetics, Inc.
Classification: Benign for Melanoma-pancreatic cancer syndrome. Last evaluated: 2025-08-13. Review status: criteria provided, single submitter. Criteria: Myriad Autosomal Dominant, Autosomal Recessive and X-Linked Classification Criteria (2023). Collection method: clinical testing. Allele origin: unknown.
Comment: This variant is considered benign. This variant is a silent/synonymous amino acid change and it is not expected to impact splicing.

Sema4
Classification: Likely benign for Hereditary cancer-predisposing syndrome. Last evaluated: 2021-10-05. Review status: criteria provided, single submitter. Criteria: Sema4 Curation Guidelines. Collection method: curation. Allele origin: germline.

Color Diagnostics, LLC DBA Color Health
Classification: Likely benign for Hereditary cancer-predisposing syndrome. Last evaluated: 2020-03-09. Review status: criteria provided, single submitter. Criteria: ACMG Guidelines, 2015. Collection method: clinical testing. Allele origin: germline.

Ambry Genetics
Classification: Likely benign for Hereditary cancer-predisposing syndrome. Last evaluated: 2018-07-18. Review status: criteria provided, single submitter. Criteria: Ambry Variant Classification Scheme 2023. Collection method: clinical testing. Allele origin: germline.